The following is an entry in ClinVar:

NM_000093.5(COL5A1):c.98C>T (p.Pro33Leu)

Gene: COL5A1 (collagen type V alpha 1 chain; plus strand). Cytogenetic location: 9q34.3.
Variant type: single nucleotide variant.
Coding change: c.98C>T on transcript NM_000093.5 (MANE Select); coding-DNA position 98, C replaced by T.
Protein change: p.Pro33Leu; replaces proline 33 with leucine.
Molecular consequence: missense variant.
Genome position (GRCh38, 1-based): chr9:134,642,285, C>T. VCF-style: chr9-134642285-C-T. GRCh37 (hg19) VCF-style: chr9-137534131-C-T.
Other names: c.98C>T, p.Pro33Leu (NM_001278074.1); short protein forms P33L.
Identifiers: ClinVar variation 1768545 (VCV001768545.3), dbSNP rs761238520, ClinGen allele CA5318185.

ClinVar aggregate classification (germline): Uncertain significance. Review status: criteria provided, multiple submitters, no conflicts (2 of 4 stars). 2 submissions from 2 submitters: Uncertain significance (2). Last evaluated 2026-02-13.

Conditions:
Familial thoracic aortic aneurysm and aortic dissection (TAAD). Also called: Thoracic aortic aneurysms and dissections. Identifiers: Orphanet 91387, MedGen C4707243, MONDO:0019625.

Allele frequency attached by ClinVar (database versions not stated): gnomAD exomes 0.00001; TOPMed 0.00005; gnomAD 0.00007.
gnomAD v4.1: 17 of 1,141,340 alleles (0.0015%); highest among the groups gnomAD compares: Admixed American, 0.049%; no homozygotes.

Submissions (2):

Women's Health and Genetics/Laboratory Corporation of America, LabCorp
Classification: Uncertain significance. Last evaluated: 2026-02-13. Review status: criteria provided, single submitter. Criteria: LabCorp Variant Classification Summary - May 2015. Collection method: clinical testing. Allele origin: germline.
Comment: Variant summary: COL5A1 c.98C>T (p.Pro33Leu) results in a non-conservative amino acid change in the encoded protein sequence. Algorithms developed to predict the effect of missense changes on protein structure and function are either unavailable or do not agree on the potential impact of this missense change. The variant was absent in 5500 control chromosomes. The available data on variant occurrences in the general population are insufficient to allow any conclusion about variant significance. To our knowledge, no occurrence of c.98C>T in individuals affected with COL5A1-related conditions and no experimental evidence demonstrating its impact on protein function have been reported. ClinVar contains an entry for this variant (Variation ID: 1768545). Based on the evidence outlined above, the variant was classified as uncertain significance.

Ambry Genetics
Classification: Uncertain significance for Familial thoracic aortic aneurysm and aortic dissection. Last evaluated: 2018-07-26. Review status: criteria provided, single submitter. Criteria: Ambry Variant Classification Scheme 2023. Collection method: clinical testing. Allele origin: germline.
Comment: The p.P33L variant (also known as c.98C>T), located in coding exon 1 of the COL5A1 gene, results from a C to T substitution at nucleotide position 98. The proline at codon 33 is replaced by leucine, an amino acid with similar properties. This amino acid position is not well conserved in available vertebrate species. In addition, this alteration is predicted to be tolerated by in silico analysis. Since supporting evidence is limited at this time, the clinical significance of this alteration remains unclear.